The following is an entry in ClinVar:

ClinVar aggregate classification (germline): Conflicting classifications of pathogenicity. Review status: criteria provided, conflicting classifications (1 of 4 stars). 2 submissions from 2 submitters: Uncertain significance (1); Likely benign (1). Last evaluated 2023-10-26.

Conditions:
Cardiovascular phenotype. Identifiers: MedGen CN230736.
Dilated cardiomyopathy 1G (CMD1G). Identifiers: Orphanet 154, MedGen C1858763, MONDO:0011400, OMIM 604145.
Autosomal recessive limb-girdle muscular dystrophy type 2J (LGMDR10). Also called: Limb-girdle muscular dystrophy, type 2J; MUSCULAR DYSTROPHY, LIMB-GIRDLE, AUTOSOMAL RECESSIVE 10. Identifiers: Orphanet 140922, MedGen C1837342, MONDO:0012127, OMIM 608807.

Allele frequency attached by ClinVar (database versions not stated): ExAC 0.00001.
gnomAD v4.1: 1 of 1,613,054 alleles (0.000062%); highest among the groups gnomAD compares: African/African-American, 0.0013%; no homozygotes.

Submissions (2):

Ambry Genetics
Classification: Uncertain significance for Cardiovascular phenotype. Last evaluated: 2023-10-26. Review status: criteria provided, single submitter. Criteria: Ambry Variant Classification Scheme 2023. Collection method: clinical testing. Allele origin: germline.
Comment: The c.14058C>A variant (also known as p.S4686S), located in coding exon 52 of the TTN gene, results from a C to A substitution at nucleotide position 14058. This nucleotide substitution does not change the serine at codon 4686. This nucleotide position is poorly conserved in available vertebrate species. In silico splice site analysis for this alteration is inconclusive. Since supporting evidence is limited at this time, the clinical significance of this alteration remains unclear.

Labcorp Genetics (formerly Invitae), Labcorp
Classification: Likely benign for Dilated cardiomyopathy 1G; Autosomal recessive limb-girdle muscular dystrophy type 2J. Last evaluated: 2023-03-26. Review status: criteria provided, single submitter. Criteria: Invitae Variant Classification Sherloc (09022015). Collection method: clinical testing. Allele origin: germline.

NM_001267550.2(TTN):c.41253C>A (p.Ser13751=)

Gene: TTN (titin; minus strand). Cytogenetic location: 2q31.2.
Variant type: single nucleotide variant.
Coding change: c.41253C>A on transcript NM_001267550.2 (MANE Select); coding-DNA position 41253, C replaced by A.
Protein change: p.Ser13751=; no amino-acid change (serine 13751 retained).
Molecular consequence: synonymous variant.
Genome position (GRCh38, 1-based): chr2:178,636,474, G>T on the plus strand (C>A on the coding strand, the complement: TTN is on the minus strand). VCF-style: chr2-178636474-G-T. GRCh37 (hg19) VCF-style: chr2-179501201-G-T.
Other names: c.36330C>A, p.Ser12110= (NM_001256850.1); c.14058C>A, p.Ser4686= (NM_003319.4); c.33549C>A, p.Ser11183= (NM_133378.4); c.14433C>A, p.Ser4811= (NM_133432.3); c.14634C>A, p.Ser4878= (NM_133437.4).
Identifiers: ClinVar variation 2428479 (VCV002428479.10), dbSNP rs772643931, ClinGen allele CA1996298.